The following is an entry in ClinVar:

NM_001370259.2(MEN1):c.784-9G>C

Gene: MEN1 (menin 1; minus strand). Cytogenetic location: 11q13.1.
Variant type: single nucleotide variant.
Coding change: c.784-9G>C on transcript NM_001370259.2 (MANE Select); 9 bases into the intron before coding-DNA position 784, G replaced by C.
Molecular consequence: intron variant.
Genome position (GRCh38, 1-based): chr11:64,807,228, C>G on the plus strand (G>C on the coding strand, the complement: MEN1 is on the minus strand). VCF-style: chr11-64807228-C-G. GRCh37 (hg19) VCF-style: chr11-64574700-C-G.
Other names: c.799-9G>C (NM_130800.3, NM_130802.3, NM_130803.3 and 3 more transcripts); c.679-9G>C (NM_001370262.2, NM_001370263.2); c.784-9G>C (NM_001370261.2, NM_130799.3, NM_001370260.2 and 1 more transcripts).
Identifiers: ClinVar variation 1077834 (VCV001077834.10), dbSNP rs794728625, ClinGen allele CA2499221158.

ClinVar aggregate classification (germline): Likely benign. Review status: criteria provided, multiple submitters, no conflicts (2 of 4 stars). 2 submissions from 2 submitters: Likely benign (2). Last evaluated 2024-11-01.

Conditions:
Multiple endocrine neoplasia, type 1 (MEN1). Also called: MEN I; WERMER SYNDROME; Endocrine adenomatosis multiple; MEN 1; MEA I. Identifiers: Orphanet 652, MedGen C0025267, MeSH D018761, MONDO:0007540, OMIM 131100.

gnomAD v4.1: 1 of 1,612,592 alleles (0.000062%); highest among the groups gnomAD compares: Non-Finnish European, 0.000085%; no homozygotes.

Submissions (2):

Myriad Genetics, Inc.
Classification: Likely benign for Multiple endocrine neoplasia, type 1. Last evaluated: 2024-11-01. Review status: criteria provided, single submitter. Criteria: Myriad Autosomal Dominant, Autosomal Recessive and X-Linked Classification Criteria (2023). Collection method: clinical testing. Allele origin: unknown.
Comment: This variant is considered likely benign. This variant is intronic and is not expected to impact mRNA splicing.

Labcorp Genetics (formerly Invitae), Labcorp
Classification: Likely benign for Multiple endocrine neoplasia, type 1. Last evaluated: 2020-07-13. Review status: criteria provided, single submitter. Criteria: Invitae Variant Classification Sherloc (09022015). Collection method: clinical testing. Allele origin: germline.